The following is an entry in ClinVar:

NM_000601.6(HGF):c.1444C>T (p.His482Tyr)

Gene: HGF (hepatocyte growth factor; minus strand). Cytogenetic location: 7q21.11.
Variant type: single nucleotide variant.
Coding change: c.1444C>T on transcript NM_000601.6 (MANE Select); coding-DNA position 1444, C replaced by T.
Protein change: p.His482Tyr; replaces histidine 482 with tyrosine.
Molecular consequence: missense variant.
Genome position (GRCh38, 1-based): chr7:81,711,481, G>A on the plus strand (C>T on the coding strand, the complement: HGF is on the minus strand). VCF-style: chr7-81711481-G-A. GRCh37 (hg19) VCF-style: chr7-81340797-G-A.
Other names: c.1429C>T, p.His477Tyr (NM_001010932.3); short protein forms H477Y, H482Y.
Identifiers: ClinVar variation 4755709 (VCV004755709.1).

ClinVar aggregate classification (germline): Uncertain significance (1 of 4 stars; one submission).

Submission:

GeneDx
Classification: Uncertain significance. Last evaluated: 2025-08-09. Review status: criteria provided, single submitter. Criteria: GeneDx Variant Classification Process June 2021. Collection method: clinical testing. Allele origin: germline. Affected: yes.
Comment: In silico analysis suggests that this missense variant does not alter protein structure/function; Has not been previously published as pathogenic or benign to our knowledge